The following is an entry in ClinVar:

NM_002804.5(PSMC3):c.546G>A (p.Thr182=)

Gene: PSMC3 (proteasome 26S subunit, ATPase 3; minus strand). Cytogenetic location: 11p11.2.
Variant type: single nucleotide variant.
Coding change: c.546G>A on transcript NM_002804.5 (MANE Select); coding-DNA position 546, G replaced by A.
Protein change: p.Thr182=; no amino-acid change (threonine 182 retained).
Molecular consequence: synonymous variant.
Genome position (GRCh38, 1-based): chr11:47,424,091, C>T on the plus strand (G>A on the coding strand, the complement: PSMC3 is on the minus strand). VCF-style: chr11-47424091-C-T. GRCh37 (hg19) VCF-style: chr11-47445642-C-T.
Identifiers: ClinVar variation 4873332 (VCV004873332.2).
Genomic context (GRCh38, chr11:47,424,091, plus strand): 5'-CCGTGCCTCCCTCACCTCCTGGATCTGCTTGTCCAAACCCCCAATGTCACTGTATTGCTC[C>T]GTGGGCCTCTCGTCTACCTCCATGGCCTTCACCCGCGAGTCATACTCTGTGGGCAGCGTC-3'
Protein context (NP_002795.2, residues 172-192): VKAMEVDERP[Thr182=]EQYSDIGGLD

ClinVar aggregate classification (germline): Likely benign (1 of 4 stars; one submission).

Submission:

CeGaT Center for Human Genetics Tuebingen
Classification: Likely benign. Last evaluated: 2026-06-01. Review status: criteria provided, single submitter. Criteria: CeGaT Center For Human Genetics Tuebingen Variant Classification Criteria Version 2. Collection method: clinical testing. Allele origin: germline. Affected: yes. Observed: 1 variant allele.
Comment: PSMC3: BP4, BP7